The following is an entry in ClinVar:

ClinVar aggregate classification (germline): Likely pathogenic (1 of 4 stars; one submission).

Conditions:
Dilated cardiomyopathy 1G (CMD1G). Identifiers: Orphanet 154, MedGen C1858763, MONDO:0011400, OMIM 604145.
Autosomal recessive limb-girdle muscular dystrophy type 2J (LGMDR10). Also called: Limb-girdle muscular dystrophy, type 2J; MUSCULAR DYSTROPHY, LIMB-GIRDLE, AUTOSOMAL RECESSIVE 10. Identifiers: Orphanet 140922, MedGen C1837342, MONDO:0012127, OMIM 608807.

gnomAD v4.1: 3 of 1,613,462 alleles (0.00019%); highest among the groups gnomAD compares: Non-Finnish European, 0.00025%; no homozygotes.

Submission:

Labcorp Genetics (formerly Invitae), Labcorp
Classification: Likely pathogenic for Dilated cardiomyopathy 1G; Autosomal recessive limb-girdle muscular dystrophy type 2J. Last evaluated: 2026-02-02. Review status: criteria provided, single submitter. Criteria: Invitae Variant Classification Sherloc (09022015). Collection method: clinical testing. Allele origin: germline.
Comment: This sequence change creates a premature translational stop signal (p.Glu23109*) in the TTN gene. While this is not anticipated to result in nonsense mediated decay, it is expected to create a truncated TTN protein. This variant is not present in population databases (gnomAD no frequency). This variant has not been reported in the literature in individuals affected with TTN-related conditions. ClinVar contains an entry for this variant (Variation ID: 2922037). Algorithms developed to predict the effect of sequence changes on RNA splicing suggest that this variant may disrupt the consensus splice site. This variant is located in the A band of TTN (PMID: 25589632). Truncating variants in this region are significantly overrepresented in patients affected with dilated cardiomyopathy (PMID: 25589632). Truncating variants in this region have also been reported in individuals affected with autosomal recessive centronuclear myopathy (PMID: 23975875). In summary, the currently available evidence indicates that the variant is pathogenic, but additional data are needed to prove that conclusively. Therefore, this variant has been classified as Likely Pathogenic.

Literature cited by the submitters: PubMed 25589632; PubMed 23975875.

NM_001267550.2(TTN):c.69325G>T (p.Glu23109Ter)

Genes: TTN (titin; minus strand), TTN-AS1 (TTN antisense RNA 1; plus strand). Cytogenetic location: 2q31.2.
Variant type: single nucleotide variant.
Coding change: c.69325G>T on transcript NM_001267550.2 (MANE Select); coding-DNA position 69325, G replaced by T.
Protein change: p.Glu23109Ter; replaces glutamic acid 23109 with a stop codon.
Molecular consequence: nonsense.
Genome position (GRCh38, 1-based): chr2:178,577,010, C>A on the plus strand (G>T on the coding strand, the complement: TTN is on the minus strand). VCF-style: chr2-178577010-C-A. GRCh37 (hg19) VCF-style: chr2-179441737-C-A.
Other names: c.64402G>T, p.Glu21468Ter (NM_001256850.1); c.42130G>T, p.Glu14044Ter (NM_003319.4); c.61621G>T, p.Glu20541Ter (NM_133378.4); c.42505G>T, p.Glu14169Ter (NM_133432.3); c.42706G>T, p.Glu14236Ter (NM_133437.4); short protein forms E14169*, E20541*, E14044*, E14236*, E21468*, E23109*.
Identifiers: ClinVar variation 2922037 (VCV002922037.3), dbSNP rs727503571, ClinGen allele CA61004357.